The following is an entry in ClinVar:

ClinVar aggregate classification (germline): Benign. Review status: criteria provided, multiple submitters, no conflicts (2 of 4 stars). 9 submissions from 8 submitters: Benign (9). Last evaluated 2026-02-03.

Conditions:
Hereditary spherocytosis type 1. Also called: Spherocytosis type 1; ANK1-Related Spherocytosis. Identifiers: Orphanet 822, MedGen C2674218, MONDO:0008447, OMIM 182900.
Spherocytosis. Identifiers: MedGen C0553720, HP:0004444.

Allele frequency attached by ClinVar (database versions not stated): gnomAD 0.04068 and 0.03834; gnomAD exomes 0.01349 and 0.00913; ExAC 0.01519; ESP Exome Variant Server 0.04406; 1000 Genomes Project 30x 0.04169; TOPMed 0.04341; 1000 Genomes Project 0.04034.

Submissions (9):

Labcorp Genetics (formerly Invitae), Labcorp
Classification: Benign. Last evaluated: 2026-02-03. Review status: criteria provided, single submitter. Criteria: Invitae Variant Classification Sherloc (09022015). Collection method: clinical testing. Allele origin: germline.

ARUP Laboratories, Molecular Genetics and Genomics, ARUP Laboratories
Classification: Benign for Hereditary spherocytosis type 1. Last evaluated: 2025-05-22. Review status: criteria provided, single submitter. Criteria: ARUP Molecular Germline Variant Investigation Process 2024. Collection method: clinical testing. Allele origin: germline.

Genome-Nilou Lab
Classification: Benign for Hereditary spherocytosis type 1. Last evaluated: 2021-12-05. Review status: criteria provided, single submitter. Criteria: ACMG Guidelines, 2015. Collection method: clinical testing. Allele origin: germline. Affected: no.

SIB Swiss Institute of Bioinformatics
Classification: Benign. Last evaluated: 2018-05-31. Review status: criteria provided, single submitter. Criteria: ACMG Guidelines, 2015. Collection method: curation. Allele origin: unknown.
Comment: This variant is interpreted as a Benign - Stand Alone. The following ACMG Tag(s) were applied: BP4 => Multiple lines of computational evidence suggest no impact on gene or gene product (conservation, evolutionary, splicing impact, etc.). BA1 => Allele frequency is >5% in Exome Sequencing Project, 1000 Genomes Project, or Exome Aggregation Consortium. BS2 => Observed in a healthy adult individual for a recessive (homozygous), dominant (heterozygous), or X-linked (hemizygous) disorder, with full penetrance expected at an early age.

Illumina Laboratory Services, Illumina
Classification: Benign for Hereditary spherocytosis type 1. Last evaluated: 2018-01-13. Review status: criteria provided, single submitter. Criteria: ICSL Variant Classification Criteria 13 December 2019. Collection method: clinical testing. Allele origin: germline.
Comment: This variant was observed in the ICSL laboratory as part of a predisposition screen in an ostensibly healthy population. It had not been previously curated by ICSL or reported in the Human Gene Mutation Database (HGMD: prior to June 1st, 2018), and was therefore a candidate for classification through an automated scoring system. Utilizing variant allele frequency, disease prevalence and penetrance estimates, and inheritance mode, an automated score was calculated to assess if this variant is too frequent to cause the disease. Based on the score and internal cut-off values, a variant classified as benign is not then subjected to further curation. The score for this variant resulted in a classification of benign for this disease.

Illumina Laboratory Services, Illumina
Classification: Benign for Spherocytosis. Last evaluated: 2018-01-13. Review status: criteria provided, single submitter. Criteria: ICSL Variant Classification Criteria 13 December 2019. Collection method: clinical testing. Allele origin: germline.
Comment: the same text as in the submission from Illumina Laboratory Services, Illumina above.

Mayo Clinic Laboratories, Mayo Clinic
Classification: Benign. Last evaluated: 2016-04-19. Review status: criteria provided, single submitter. Criteria: ACMG Guidelines, 2015. Collection method: clinical testing. Allele origin: germline. Observed: 143 variant alleles.

Breakthrough Genomics
Classification: Benign. Review status: criteria provided, single submitter. Criteria: ACMG Guidelines, 2015. Collection method: not provided. Allele origin: germline. Inheritance: Autosomal dominant inheritance. Affected: yes.

PreventionGenetics, part of Exact Sciences
Classification: Benign. Review status: criteria provided, single submitter. Criteria: ACMG Guidelines, 2015. Collection method: clinical testing. Allele origin: germline.

NM_000037.4(ANK1):c.3973A>G (p.Met1325Val)

Gene: ANK1 (ankyrin 1; minus strand). Cytogenetic location: 8p11.21.
Variant type: single nucleotide variant.
Coding change: c.3973A>G on transcript NM_000037.4 (MANE Select); coding-DNA position 3973, A replaced by G.
Protein change: p.Met1325Val; replaces methionine 1325 with valine.
Molecular consequence: missense variant.
Genome position (GRCh38, 1-based): chr8:41,690,485, T>C on the plus strand (A>G on the coding strand, the complement: ANK1 is on the minus strand). VCF-style: chr8-41690485-T-C. GRCh37 (hg19) VCF-style: chr8-41548003-T-C.
Other names: NM_000037.3(ANK1):c.3973A>G(p.Met1325Val); NM_001142446.1(ANK1):c.4096A>G(p.Met1366Val); NM_020475.2(ANK1):c.3973A>G(p.Met1325Val); NM_020476.2(ANK1):c.3973A>G(p.Met1325Val); NM_020477.2(ANK1):c.3973A>G(p.Met1325Val); c.4096A>G, p.Met1366Val (NM_001142446.2); c.3973A>G, p.Met1325Val (NM_020475.3, NM_020476.3, NM_020477.3); short protein forms M1325V, M1366V.
Identifiers: ClinVar variation 261307 (VCV000261307.29), dbSNP rs10093583, ClinGen allele CA4727729.